The following is an entry in ClinVar:

NM_001040108.2(MLH3):c.510G>A (p.Lys170=)

Gene: MLH3 (mutL homolog 3; minus strand). Cytogenetic location: 14q24.3.
Variant type: single nucleotide variant.
Coding change: c.510G>A on transcript NM_001040108.2 (MANE Select); coding-DNA position 510, G replaced by A.
Protein change: p.Lys170=; no amino-acid change (lysine 170 retained).
Molecular consequence: synonymous variant.
Genome position (GRCh38, 1-based): chr14:75,049,146, C>T on the plus strand (G>A on the coding strand, the complement: MLH3 is on the minus strand). VCF-style: chr14-75049146-C-T. GRCh37 (hg19) VCF-style: chr14-75515849-C-T.
Other names: c.510G>A, p.Lys170= (NM_014381.3).
Identifiers: ClinVar variation 1148866 (VCV001148866.12), dbSNP rs746983446, ClinGen allele CA7276012.

ClinVar aggregate classification (germline): Benign/Likely benign. Review status: criteria provided, multiple submitters, no conflicts (2 of 4 stars). 3 submissions from 3 submitters: Benign (1); Likely benign (2). Last evaluated 2026-04-28.

Conditions:
Colorectal cancer, hereditary nonpolyposis, type 7. Identifiers: Orphanet 144, MedGen C1858380, MONDO:0013725, OMIM 614385.

Allele frequency attached by ClinVar (database versions not stated): TOPMed 0.00001; gnomAD exomes 0.00001; ExAC 0.00002.
gnomAD v4.1: 3 of 1,614,156 alleles (0.00019%); highest among the groups gnomAD compares: Admixed American, 0.005%; no homozygotes.

Submissions (3):

Myriad Genetics, Inc.
Classification: Benign for Colorectal cancer, hereditary nonpolyposis, type 7. Last evaluated: 2026-04-28. Review status: criteria provided, single submitter. Criteria: Myriad Autosomal Dominant, Autosomal Recessive and X-Linked Classification Criteria (2023). Collection method: clinical testing. Allele origin: unknown.
Comment: This variant is considered benign. This variant is a silent/synonymous amino acid change and it is not expected to impact splicing.

Labcorp Genetics (formerly Invitae), Labcorp
Classification: Likely benign for Colorectal cancer, hereditary nonpolyposis, type 7. Last evaluated: 2023-08-30. Review status: criteria provided, single submitter. Criteria: Invitae Variant Classification Sherloc (09022015). Collection method: clinical testing. Allele origin: germline.

Ambry Genetics
Classification: Likely benign. Last evaluated: 2022-10-05. Review status: criteria provided, single submitter. Criteria: Ambry Variant Classification Scheme 2023. Collection method: clinical testing. Allele origin: germline.